The following is an entry in ClinVar:

NM_014270.5(SLC7A9):c.774C>G (p.Ile258Met)

Gene: SLC7A9 (solute carrier family 7 member 9; minus strand). Cytogenetic location: 19q13.11.
Variant type: single nucleotide variant.
Coding change: c.774C>G on transcript NM_014270.5 (MANE Select); coding-DNA position 774, C replaced by G.
Protein change: p.Ile258Met; replaces isoleucine 258 with methionine.
Molecular consequence: missense variant.
Genome position (GRCh38, 1-based): chr19:32,859,940, G>C on the plus strand (C>G on the coding strand, the complement: SLC7A9 is on the minus strand). VCF-style: chr19-32859940-G-C. GRCh37 (hg19) VCF-style: chr19-33350846-G-C.
Other names: c.774C>G, p.Ile258Met (NM_001126335.2, NM_001243036.2); c.774C>G (NM_014270.4); short protein forms I258M.
Identifiers: ClinVar variation 2987334 (VCV002987334.4), dbSNP rs746181158, ClinGen allele CA9358638.

ClinVar aggregate classification (germline): Uncertain significance. Review status: criteria provided, multiple submitters, no conflicts (2 of 4 stars). 2 submissions from 2 submitters: Uncertain significance (2). Last evaluated 2025-09-12.

Allele frequency attached by ClinVar (database versions not stated): gnomAD 0.00002.
gnomAD v4.1: 17 of 1,614,054 alleles (0.0011%); highest among the groups gnomAD compares: Non-Finnish European, 0.0014%; no homozygotes.

Submissions (2):

GeneDx
Classification: Uncertain significance. Last evaluated: 2025-09-12. Review status: criteria provided, single submitter. Criteria: GeneDx Variant Classification Process June 2021. Collection method: clinical testing. Allele origin: germline.
Comment: Not observed at significant frequency in large population cohorts (gnomAD); In silico analysis suggests that this missense variant does not alter protein structure/function; Has not been previously published as pathogenic or benign to our knowledge

Labcorp Genetics (formerly Invitae), Labcorp
Classification: Uncertain significance. Last evaluated: 2024-07-30. Review status: criteria provided, single submitter. Criteria: Invitae Variant Classification Sherloc (09022015). Collection method: clinical testing. Allele origin: germline.
Comment: This sequence change replaces isoleucine, which is neutral and non-polar, with methionine, which is neutral and non-polar, at codon 258 of the SLC7A9 protein (p.Ile258Met). This variant is present in population databases (rs746181158, gnomAD 0.003%). This variant has not been reported in the literature in individuals affected with SLC7A9-related conditions. Advanced modeling of protein sequence and biophysical properties (such as structural, functional, and spatial information, amino acid conservation, physicochemical variation, residue mobility, and thermodynamic stability) performed at Invitae indicates that this missense variant is not expected to disrupt SLC7A9 protein function with a negative predictive value of 80%. In summary, the available evidence is currently insufficient to determine the role of this variant in disease. Therefore, it has been classified as a Variant of Uncertain Significance.